The following is an entry in ClinVar:

ClinVar aggregate classification (germline): Uncertain significance. Review status: criteria provided, multiple submitters, no conflicts (2 of 4 stars). 6 submissions from 6 submitters: Uncertain significance (6). Last evaluated 2024-09-19.

Conditions:
Inborn genetic diseases. Identifiers: MedGen C0950123, MeSH D030342.
Hyper-IgE recurrent infection syndrome 3, autosomal recessive. Also called: Autosomal recessive hyper-IgE syndrome due to ZNF341 deficiency; HYPER-IgE SYNDROME 3, AUTOSOMAL RECESSIVE, WITH RECURRENT INFECTIONS. Identifiers: Orphanet 641368, MedGen C4748969, MONDO:0032654, OMIM 618282.
Combined immunodeficiency due to DOCK8 deficiency (HIES2). Also called: HIES autosomal recessive; Hyper-IgE recurrent infection syndrome, autosomal recessive; DOCK8 Deficiency; HYPER-IgE RECURRENT INFECTION SYNDROME 2, AUTOSOMAL RECESSIVE; HYPER-IgE SYNDROME 2, AUTOSOMAL RECESSIVE, WITH RECURRENT INFECTIONS. Identifiers: Orphanet 217390, MedGen C4722305, MONDO:0009478, OMIM 243700.

Allele frequency attached by ClinVar (database versions not stated): ExAC 0.00015; 1000 Genomes Project 30x 0.00016; gnomAD exomes 0.00019 and 0.00043; 1000 Genomes Project 0.00020; TOPMed 0.00027; gnomAD 0.00041; ESP Exome Variant Server 0.00054.
gnomAD v4.1: 654 of 1,614,086 alleles (0.041%); highest among the groups gnomAD compares: Non-Finnish European, 0.052%; no homozygotes.

Submissions (6):

Blueprint Genetics
Classification: Uncertain significance. Last evaluated: 2024-09-19. Review status: criteria provided, single submitter. Criteria: ACMG Guidelines, 2015. Collection method: clinical testing. Allele origin: germline.

Labcorp Genetics (formerly Invitae), Labcorp
Classification: Uncertain significance for Combined immunodeficiency due to DOCK8 deficiency. Last evaluated: 2023-12-09. Review status: criteria provided, single submitter. Criteria: Invitae Variant Classification Sherloc (09022015). Collection method: clinical testing. Allele origin: germline.
Comment: This sequence change replaces isoleucine, which is neutral and non-polar, with valine, which is neutral and non-polar, at codon 1023 of the DOCK8 protein (p.Ile1023Val). This variant is present in population databases (rs140148619, gnomAD 0.04%). This variant has not been reported in the literature in individuals affected with DOCK8-related conditions. ClinVar contains an entry for this variant (Variation ID: 366965). Advanced modeling of protein sequence and biophysical properties (such as structural, functional, and spatial information, amino acid conservation, physicochemical variation, residue mobility, and thermodynamic stability) has been performed at Invitae for this missense variant, however the output from this modeling did not meet the statistical confidence thresholds required to predict the impact of this variant on DOCK8 protein function. In summary, the available evidence is currently insufficient to determine the role of this variant in disease. Therefore, it has been classified as a Variant of Uncertain Significance.

GeneDx
Classification: Uncertain significance. Last evaluated: 2023-08-07. Review status: criteria provided, single submitter. Criteria: GeneDx Variant Classification Process June 2021. Collection method: clinical testing. Allele origin: germline. Affected: yes.
Comment: In silico analysis supports that this missense variant does not alter protein structure/function; Has not been previously published as pathogenic or benign to our knowledge

Ambry Genetics
Classification: Uncertain significance for Inborn genetic diseases. Last evaluated: 2022-12-01. Review status: criteria provided, single submitter. Criteria: Ambry Variant Classification Scheme 2023. Collection method: clinical testing. Allele origin: germline.

Illumina Laboratory Services, Illumina
Classification: Uncertain significance for Combined immunodeficiency due to DOCK8 deficiency. Last evaluated: 2018-01-12. Review status: criteria provided, single submitter. Criteria: ICSL Variant Classification Criteria 13 December 2019. Collection method: clinical testing. Allele origin: germline.

Breakthrough Genomics
Classification: Uncertain significance. Review status: criteria provided, single submitter. Criteria: ACMG Guidelines, 2015. Collection method: not provided. Allele origin: germline. Inheritance: Autosomal recessive inheritance. Affected: yes.

NM_203447.4(DOCK8):c.3067A>G (p.Ile1023Val)

Gene: DOCK8 (dedicator of cytokinesis 8; plus strand). Cytogenetic location: 9p24.3.
Variant type: single nucleotide variant.
Coding change: c.3067A>G on transcript NM_203447.4 (MANE Select); coding-DNA position 3067, A replaced by G.
Protein change: p.Ile1023Val; replaces isoleucine 1023 with valine.
Molecular consequence: missense variant.
Genome position (GRCh38, 1-based): chr9:396,881, A>G. VCF-style: chr9-396881-A-G. GRCh37 (hg19) VCF-style: chr9-396881-A-G.
Other names: c.2767A>G, p.Ile923Val (NM_001190458.2); c.2863A>G, p.Ile955Val (NM_001193536.2); short protein forms I1023V, I955V, I923V.
Identifiers: ClinVar variation 366965 (VCV000366965.13), dbSNP rs140148619, ClinGen allele CA4958484.